The following is an entry in ClinVar:

NM_024675.4(PALB2):c.2281G>A (p.Ala761Thr)

Gene: PALB2 (partner and localizer of BRCA2; minus strand). Cytogenetic location: 16p12.2.
Variant type: single nucleotide variant.
Coding change: c.2281G>A on transcript NM_024675.4 (MANE Select); coding-DNA position 2281, G replaced by A.
Protein change: p.Ala761Thr; replaces alanine 761 with threonine.
Molecular consequence: missense variant.
Genome position (GRCh38, 1-based): chr16:23,629,873, C>T on the plus strand (G>A on the coding strand, the complement: PALB2 is on the minus strand). VCF-style: chr16-23629873-C-T. GRCh37 (hg19) VCF-style: chr16-23641194-C-T.
Other names: c.2221G>A, p.Ala741Thr (NM_001407296.1); c.2281G>A, p.Ala761Thr (NM_001407297.1, NM_001407298.1, NM_001407299.1 and 3 more transcripts); c.1396G>A, p.Ala466Thr (NM_001407304.1, NM_001407305.1, NM_001407306.1 and 5 more transcripts); c.493G>A, p.Ala165Thr (NM_001407312.1, NM_001407313.1); short protein forms A165T, A741T, A466T, A761T.
Identifiers: ClinVar variation 2159962 (VCV002159962.5), dbSNP rs2142376559, ClinGen allele CA395125355.

ClinVar aggregate classification (germline): Uncertain significance. Review status: criteria provided, multiple submitters, no conflicts (2 of 4 stars). 2 submissions from 2 submitters: Uncertain significance (2). Last evaluated 2025-12-07.

Conditions:
Hereditary cancer-predisposing syndrome. Also called: Tumor predisposition; Hereditary neoplastic syndrome; Neoplastic Syndromes, Hereditary; Hereditary Cancer Syndrome. Identifiers: Orphanet 140162, MedGen C0027672, MeSH D009386, MONDO:0015356.
Familial cancer of breast. Also called: hereditary breast carcinoma; Hereditary breast cancer; BREAST CANCER, FAMILIAL. Identifiers: Orphanet 227535, MedGen C0346153, MONDO:0016419, OMIM 114480. Disease mechanism: loss of function.

Submissions (2):

Ambry Genetics
Classification: Uncertain significance for Hereditary cancer-predisposing syndrome. Last evaluated: 2025-12-07. Review status: criteria provided, single submitter. Criteria: Ambry Variant Classification Scheme 2023. Collection method: clinical testing. Allele origin: germline.
Comment: The p.A761T variant (also known as c.2281G>A), located in coding exon 5 of the PALB2 gene, results from a G to A substitution at nucleotide position 2281. The alanine at codon 761 is replaced by threonine, an amino acid with similar properties. This amino acid position is conserved. In addition, this alteration is predicted to be tolerated by in silico analysis. Based on the available evidence, the clinical significance of this variant remains unclear.

Labcorp Genetics (formerly Invitae), Labcorp
Classification: Uncertain significance for Familial cancer of breast. Last evaluated: 2022-07-21. Review status: criteria provided, single submitter. Criteria: Invitae Variant Classification Sherloc (09022015). Collection method: clinical testing. Allele origin: germline.
Comment: In summary, the available evidence is currently insufficient to determine the role of this variant in disease. Therefore, it has been classified as a Variant of Uncertain Significance. Algorithms developed to predict the effect of missense changes on protein structure and function (SIFT, PolyPhen-2, Align-GVGD) all suggest that this variant is likely to be tolerated. This variant has not been reported in the literature in individuals affected with PALB2-related conditions. This variant is not present in population databases (gnomAD no frequency). This sequence change replaces alanine, which is neutral and non-polar, with threonine, which is neutral and polar, at codon 761 of the PALB2 protein (p.Ala761Thr).